The following is an entry in ClinVar:

ClinVar aggregate classification (germline): Likely benign. Review status: criteria provided, multiple submitters, no conflicts (2 of 4 stars). 4 submissions from 4 submitters: Likely benign (4). Last evaluated 2025-07-06.

Conditions:
Genitopatellar syndrome (GTPTS). Also called: ABSENT PATELLAE, SCROTAL HYPOPLASIA, RENAL ANOMALIES, FACIAL DYSMORPHISM, AND MENTAL RETARDATION; Genitopatellar syndrome (GPS). Identifiers: Orphanet 85201, MedGen C1853566, MONDO:0011640, OMIM 606170.
Blepharophimosis - intellectual disability syndrome, SBBYS type (SBBYSS). Also called: Say-Barber-Biesecker-Young-Simpson variant of Ohdo Syndrome; Say-Barber-Biesecker Variant of Ohdo Syndrome; Say-Barber-Biesecker-Young-Simpson syndrome; Say-Barber-Biesecker variant of Ohdo syndrome (SBBYSS); Young Simpson syndrome; Mental retardation unusual facies hypothyroidism. Identifiers: Orphanet 3047, MedGen C1863557, MONDO:0011365, OMIM 603736.

Allele frequency attached by ClinVar (database versions not stated): gnomAD exomes below 0.00001 and 0.00001; TOPMed 0.00001; ExAC 0.00002.
gnomAD v4.1: 23 of 1,614,202 alleles (0.0014%); highest among the groups gnomAD compares: East Asian, 0.0089%; no homozygotes.

Submissions (4):

Labcorp Genetics (formerly Invitae), Labcorp
Classification: Likely benign for Genitopatellar syndrome. Last evaluated: 2025-07-06. Review status: criteria provided, single submitter. Criteria: Invitae Variant Classification Sherloc (09022015). Collection method: clinical testing. Allele origin: germline.

Blueprint Genetics
Classification: Likely benign. Last evaluated: 2024-10-10. Review status: criteria provided, single submitter. Criteria: ACMG Guidelines, 2015. Collection method: clinical testing. Allele origin: germline.

Fulgent Genetics
Classification: Likely benign for Blepharophimosis - intellectual disability syndrome, SBBYS type; Genitopatellar syndrome. Last evaluated: 2022-03-11. Review status: criteria provided, single submitter. Criteria: ACMG Guidelines, 2015. Collection method: clinical testing. Allele origin: unknown.

GeneDx
Classification: Likely benign. Last evaluated: 2017-11-09. Review status: criteria provided, single submitter. Criteria: GeneDx Variant Classification (06012015). Collection method: clinical testing. Allele origin: germline. Affected: yes.
Comment: This variant is considered likely benign or benign based on one or more of the following criteria: it is a conservative change, it occurs at a poorly conserved position in the protein, it is predicted to be benign by multiple in silico algorithms, and/or has population frequency not consistent with disease.

NM_012330.4(KAT6B):c.1782A>G (p.Arg594=)

Gene: KAT6B (lysine acetyltransferase 6B; plus strand). Cytogenetic location: 10q22.2.
Variant type: single nucleotide variant.
Coding change: c.1782A>G on transcript NM_012330.4 (MANE Select); coding-DNA position 1782, A replaced by G.
Protein change: p.Arg594=; no amino-acid change (arginine 594 retained).
Molecular consequence: synonymous variant. On other transcripts: intron variant (13).
Genome position (GRCh38, 1-based): chr10:74,976,119, A>G. VCF-style: chr10-74976119-A-G. GRCh37 (hg19) VCF-style: chr10-76735877-A-G.
Other names: c.1782A>G, p.Arg594= (NM_001370136.1, NM_001370137.1); c.1117+665A>G (NM_001370139.1, NM_001370140.1, NM_001370141.1 and 3 more transcripts); c.1444+338A>G (NM_001370138.1, NM_001256468.2); c.846+6344A>G (NM_001370133.1); c.193-3105A>G (NM_001370134.1); c.929-1197A>G (NM_001370143.1, NM_001370144.1); c.193-12900A>G (NM_001370135.1).
Identifiers: ClinVar variation 513307 (VCV000513307.11), dbSNP rs376823181, ClinGen allele CA5564471.